The following is an entry in ClinVar:

ClinVar aggregate classification (germline): Conflicting classifications of pathogenicity. Review status: criteria provided, conflicting classifications (1 of 4 stars). 3 submissions from 3 submitters: Likely pathogenic (2); Uncertain significance (1). Last evaluated 2026-06-01.

Conditions:
Oculocutaneous albinism. Identifiers: Orphanet 55, MedGen C0078918, MONDO:0018910.

Allele frequency attached by ClinVar (database versions not stated): gnomAD exomes below 0.00001; gnomAD 0.00001.
gnomAD v4.1: 2 of 1,611,416 alleles (0.00012%); highest among the groups gnomAD compares: South Asian, 0.0011%; no homozygotes.

Submissions (3):

CeGaT Center for Human Genetics Tuebingen
Classification: Likely pathogenic. Last evaluated: 2026-06-01. Review status: criteria provided, single submitter. Criteria: CeGaT Center For Human Genetics Tuebingen Variant Classification Criteria Version 2. Collection method: clinical testing. Allele origin: germline. Affected: yes. Observed: 3 variant alleles.
Comment: TYR: PM3:Strong, PM2, PM5:Supporting, PP4

Women's Health and Genetics/Laboratory Corporation of America, LabCorp
Classification: Likely pathogenic for Oculocutaneous albinism. Last evaluated: 2025-05-13. Review status: criteria provided, single submitter. Criteria: LabCorp Variant Classification Summary - May 2015. Collection method: clinical testing. Allele origin: germline.
Comment: Variant summary: TYR c.1306G>T (p.Gly436Cys) results in a non-conservative amino acid change in the encoded protein sequence. Algorithms developed to predict the effect of missense changes on protein structure and function all suggest that this variant is likely to be disruptive. The variant allele was found at a frequency of 4e-06 in 250392 control chromosomes. c.1306G>T has been observed in the homozygous and compopund heterozygous states in individuals affected with Oculocutaneous Albinism and segregated with disease in at least one family (Lasseaux_2018, Kessel_2021, Loftus_2023, Monmeme_2019). These data indicate that the variant is likely to be associated with disease. To our knowledge, no experimental evidence demonstrating an impact on protein function has been reported. The following publications have been ascertained in the context of this evaluation (PMID: 33612058, 29345414, 37327787, 30472657). ClinVar contains an entry for this variant (Variation ID: 1428229). Based on the evidence outlined above, the variant was classified as likely pathogenic.

Labcorp Genetics (formerly Invitae), Labcorp
Classification: Uncertain significance. Last evaluated: 2022-06-07. Review status: criteria provided, single submitter. Criteria: Invitae Variant Classification Sherloc (09022015). Collection method: clinical testing. Allele origin: germline.
Comment: This missense change has been observed in individual(s) with oculocutaneous albinism (PMID: 29345414). This variant is present in population databases (no rsID available, gnomAD 0.003%). This sequence change replaces glycine, which is neutral and non-polar, with cysteine, which is neutral and slightly polar, at codon 436 of the TYR protein (p.Gly436Cys). Advanced modeling of protein sequence and biophysical properties (such as structural, functional, and spatial information, amino acid conservation, physicochemical variation, residue mobility, and thermodynamic stability) performed at Invitae indicates that this missense variant is expected to disrupt TYR protein function. In summary, the available evidence is currently insufficient to determine the role of this variant in disease. Therefore, it has been classified as a Variant of Uncertain Significance.

Literature cited by the submitters: PubMed 29345414 (cited by Women's Health and Genetics/Laboratory Corporation of America, LabCorp and Labcorp Genetics (formerly Invitae), Labcorp); PubMed 30472657 (cited by Women's Health and Genetics/Laboratory Corporation of America, LabCorp); PubMed 33612058 (cited by Women's Health and Genetics/Laboratory Corporation of America, LabCorp); PubMed 37327787 (cited by Women's Health and Genetics/Laboratory Corporation of America, LabCorp).

NM_000372.5(TYR):c.1306G>T (p.Gly436Cys)

Gene: TYR (tyrosinase; plus strand). Cytogenetic location: 11q14.3.
Variant type: single nucleotide variant.
Coding change: c.1306G>T on transcript NM_000372.5 (MANE Select); coding-DNA position 1306, G replaced by T.
Protein change: p.Gly436Cys; replaces glycine 436 with cysteine.
Molecular consequence: missense variant.
Genome position (GRCh38, 1-based): chr11:89,284,894, G>T. VCF-style: chr11-89284894-G-T. GRCh37 (hg19) VCF-style: chr11-89018062-G-T.
Other names: short protein forms G436C.
Identifiers: ClinVar variation 1428229 (VCV001428229.11), dbSNP rs1287652457, ClinGen allele CA382078069.
Genomic context (GRCh38, chr11:89,284,894, plus strand): 5'-GCACCCATTGGACATAACCGGGAATCCTACATGGTTCCTTTTATACCACTGTACAGAAAT[G>T]GTGATTTCTTTATTTCATCCAAAGATCTGGGCTATGACTATAGCTATCTACAAGATTCAG-3'
Protein context (NP_000363.1, residues 426-446): MVPFIPLYRN[Gly436Cys]DFFISSKDLG